The following is an entry in ClinVar:

ClinVar aggregate classification (germline): Conflicting classifications of pathogenicity. Review status: criteria provided, conflicting classifications (1 of 4 stars). 11 submissions from 10 submitters: Uncertain significance (7); Likely benign (2). 2 of the submissions do not count toward it. Last evaluated 2026-01-26.

Conditions:
NR2E3-related disorder. Also called: NR2E3-related condition; NR2E3-related disorders. Identifiers: MedGen CN239387.
Optic atrophy. Identifiers: MedGen C0029124, MONDO:0003608, HP:0000648.
Retinitis pigmentosa 37 (RP37). Identifiers: Orphanet 791, MedGen C1970163, MONDO:0012625, OMIM 611131.
Enhanced S-cone syndrome (ESCS). Identifiers: Orphanet 53540, MedGen C1849394, MONDO:0100288, MONDO:0009989.
Goldmann-Favre syndrome. Identifiers: Orphanet 53540, MedGen C0339541, MONDO:0100289.

Allele frequency attached by ClinVar (database versions not stated): 1000 Genomes Project 30x 0.00016; 1000 Genomes Project 0.00020; TOPMed 0.00068; gnomAD exomes 0.00080 and 0.00156; gnomAD 0.00084 and 0.00087; ESP Exome Variant Server 0.00120; ExAC 0.00140.
gnomAD v4.1: 2,347 of 1,604,238 alleles (0.15%); highest among the groups gnomAD compares: Non-Finnish European, 0.19%; 5 homozygotes.

Submissions (11):

Labcorp Genetics (formerly Invitae), Labcorp
Classification: Uncertain significance. Last evaluated: 2026-01-26. Review status: criteria provided, single submitter. Criteria: Invitae Variant Classification Sherloc (09022015). Collection method: clinical testing. Allele origin: germline.
Comment: This sequence change replaces arginine, which is basic and polar, with glutamine, which is neutral and polar, at codon 77 of the NR2E3 protein (p.Arg77Gln). This variant is present in population databases (rs186714117, gnomAD 0.2%), and has an allele count higher than expected for a pathogenic variant. This variant has not been reported in the literature in individuals affected with NR2E3-related conditions. ClinVar contains an entry for this variant (Variation ID: 286837). Invitae Evidence Modeling of protein sequence and biophysical properties (such as structural, functional, and spatial information, amino acid conservation, physicochemical variation, residue mobility, and thermodynamic stability) indicates that this missense variant is expected to disrupt NR2E3 protein function with a positive predictive value of 80%. In summary, the available evidence is currently insufficient to determine the role of this variant in disease. Therefore, it has been classified as a Variant of Uncertain Significance.

PreventionGenetics, part of Exact Sciences
Classification: Likely benign for NR2E3-related condition. Last evaluated: 2024-10-15. Review status: criteria provided, single submitter. Criteria: ACMG Guidelines, 2015. Collection method: clinical testing. Allele origin: germline.
Comment: This variant is classified as likely benign based on ACMG/AMP sequence variant interpretation guidelines (Richards et al. 2015 PMID: 25741868, with internal and published modifications).

Blueprint Genetics
Classification: Likely benign. Last evaluated: 2024-09-26. Review status: criteria provided, single submitter. Criteria: ACMG Guidelines, 2015. Collection method: clinical testing. Allele origin: germline.

Institute of Human Genetics, University of Leipzig Medical Center
Classification: Uncertain significance for Retinitis pigmentosa 37. Last evaluated: 2022-04-25. Review status: criteria provided, single submitter. Criteria: ACMG Guidelines, 2015. Collection method: clinical testing. Allele origin: unknown. Affected: yes.
Comment: This variant was identified as compound heterozygous with NM_014249.4:c.311G>A._x000D_ Criteria applied: PM3_STR, PM2_SUP

CeGaT Center for Human Genetics Tuebingen
Classification: Uncertain significance. Last evaluated: 2019-05-01. Review status: criteria provided, single submitter. Criteria: CeGaT Center For Human Genetics Tuebingen Variant Classification Criteria Version 2. Collection method: clinical testing. Allele origin: germline. Affected: yes. Observed: 1 variant allele.

GeneDx
Classification: Uncertain significance. Last evaluated: 2017-07-07. Review status: criteria provided, single submitter. Criteria: GeneDx Variant Classification (06012015). Collection method: clinical testing. Allele origin: germline. Affected: yes.
Comment: The R77Q variant in the NR2E3 gene has been reported previously in an unaffected control, but not in an affected individual, to our knowledge (Kanda et al., 2009). The R77Q variant is observed in 74/32,990 (0.22%) alleles from individuals of European (non-Finnish) background in the ExAC dataset (Lek et al., 2016). The R77Q variant is a semi-conservative amino acid substitution, which may impact secondary protein structure as these residues differ in some properties. This substitution occurs at a position that is conserved across species, and in silico analysis predicts this variant is probably damaging to the protein structure/function. We interpret R77Q as a variant of uncertain significance.

Illumina Laboratory Services, Illumina
Classification: Uncertain significance for ENHANCED S-CONE SYNDROME 1. Last evaluated: 2017-04-27. Review status: criteria provided, single submitter. Criteria: ICSL Variant Classification Criteria 13 December 2019. Collection method: clinical testing. Allele origin: germline.
Comment: This variant was observed as part of a predisposition screen in an ostensibly healthy population. A literature search was performed for the gene, cDNA change, and amino acid change (where applicable). Publications were found based on this search. However, the evidence from the literature, in combination with allele frequency data from public databases where available, was not sufficient to rule this variant in or out of causing disease. Therefore, this variant is classified as a variant of unknown significance.

Illumina Laboratory Services, Illumina
Classification: Uncertain significance for Retinitis pigmentosa 37. Last evaluated: 2017-04-27. Review status: criteria provided, single submitter. Criteria: ICSL Variant Classification Criteria 13 December 2019. Collection method: clinical testing. Allele origin: germline.
Comment: the same text as in the submission from Illumina Laboratory Services, Illumina above.

Eurofins Ntd Llc (ga)
Classification: Uncertain significance. Last evaluated: 2016-04-01. Review status: criteria provided, single submitter. Criteria: EGL Classification Definitions 2015. Collection method: clinical testing. Allele origin: germline. Observed: 1 variant allele, 1 heterozygote.

Institute of Human Genetics, Univ. Regensburg, Univ. Regensburg
Classification: Uncertain significance for Optic atrophy. Last evaluated: 2022-01-01. Review status: no assertion criteria provided. Criteria: ACMG Guidelines, 2015. Collection method: clinical testing. Allele origin: germline. Affected: yes. Not counted in ClinVar's aggregate classification.

Natera, Inc.
Classification: Uncertain significance for Goldmann-Favre syndrome. Last evaluated: 2020-09-16. Review status: no assertion criteria provided. Collection method: clinical testing. Allele origin: germline. Not counted in ClinVar's aggregate classification.

Literature cited by the submitters: PubMed 19718767 (cited by Illumina Laboratory Services, Illumina); PubMed 17564971 (cited by Illumina Laboratory Services, Illumina); PubMed 19898638 (cited by Illumina Laboratory Services, Illumina).

NM_014249.4(NR2E3):c.230G>A (p.Arg77Gln)

Gene: NR2E3 (nuclear receptor subfamily 2 group E member 3; plus strand). Cytogenetic location: 15q23.
Variant type: single nucleotide variant.
Coding change: c.230G>A on transcript NM_014249.4 (MANE Select); coding-DNA position 230, G replaced by A.
Protein change: p.Arg77Gln; replaces arginine 77 with glutamine.
Molecular consequence: missense variant.
Genome position (GRCh38, 1-based): chr15:71,811,594, G>A. VCF-style: chr15-71811594-G-A. GRCh37 (hg19) VCF-style: chr15-72103934-G-A.
Other names: c.230G>A, p.Arg77Gln (NM_016346.4); short protein forms R77Q.
Identifiers: ClinVar variation 286837 (VCV000286837.61), dbSNP rs186714117, ClinGen allele CA7640248.